The following is an entry in ClinVar:

NM_019032.6(ADAMTSL4):c.2684G>A (p.Ser895Asn)

Gene: ADAMTSL4 (ADAMTS like 4; plus strand). Cytogenetic location: 1q21.2.
Variant type: single nucleotide variant.
Coding change: c.2684G>A on transcript NM_019032.6 (MANE Select); coding-DNA position 2684, G replaced by A.
Protein change: p.Ser895Asn; replaces serine 895 with asparagine.
Molecular consequence: missense variant.
Genome position (GRCh38, 1-based): chr1:150,559,086, G>A. VCF-style: chr1-150559086-G-A. GRCh37 (hg19) VCF-style: chr1-150531562-G-A.
Other names: c.2567G>A, p.Ser856Asn (NM_001288607.2); c.2753G>A, p.Ser918Asn (NM_001288608.2); c.2684G>A, p.Ser895Asn (NM_001378596.1); short protein forms S856N, S918N, S895N.
Identifiers: ClinVar variation 2118052 (VCV002118052.4), dbSNP rs2526780753, ClinGen allele CA342316153.

ClinVar aggregate classification (germline): Uncertain significance (1 of 4 stars; one submission).

Submission:

Labcorp Genetics (formerly Invitae), Labcorp
Classification: Uncertain significance. Last evaluated: 2023-03-10. Review status: criteria provided, single submitter. Criteria: Invitae Variant Classification Sherloc (09022015). Collection method: clinical testing. Allele origin: germline.
Comment: ClinVar contains an entry for this variant (Variation ID: 2118052). This variant has not been reported in the literature in individuals affected with ADAMTSL4-related conditions. This variant is not present in population databases (gnomAD no frequency). This sequence change replaces serine, which is neutral and polar, with asparagine, which is neutral and polar, at codon 895 of the ADAMTSL4 protein (p.Ser895Asn). Advanced modeling of protein sequence and biophysical properties (such as structural, functional, and spatial information, amino acid conservation, physicochemical variation, residue mobility, and thermodynamic stability) has been performed at Invitae for this missense variant, however the output from this modeling did not meet the statistical confidence thresholds required to predict the impact of this variant on ADAMTSL4 protein function. In summary, the available evidence is currently insufficient to determine the role of this variant in disease. Therefore, it has been classified as a Variant of Uncertain Significance.